The following is an entry in ClinVar:

NM_000143.4(FH):c.306G>A (p.Ala102=)

Gene: FH (fumarate hydratase; minus strand). Cytogenetic location: 1q43.
Variant type: single nucleotide variant.
Coding change: c.306G>A on transcript NM_000143.4 (MANE Select); coding-DNA position 306, G replaced by A.
Protein change: p.Ala102=; no amino-acid change (alanine 102 retained).
Molecular consequence: synonymous variant.
Genome position (GRCh38, 1-based): chr1:241,513,675, C>T on the plus strand (G>A on the coding strand, the complement: FH is on the minus strand). VCF-style: chr1-241513675-C-T. GRCh37 (hg19) VCF-style: chr1-241676975-C-T.
Identifiers: ClinVar variation 460350 (VCV000460350.43), dbSNP rs142283468, ClinGen allele CA1478715.

ClinVar aggregate classification (germline): Benign/Likely benign. Review status: criteria provided, multiple submitters, no conflicts (2 of 4 stars). 8 submissions from 8 submitters: Benign (3); Likely benign (4). 1 of the submissions does not count toward it. Last evaluated 2026-07-01.

Conditions:
FH-related disorder. Also called: FH-related condition; FH-related disorders.
Hereditary cancer-predisposing syndrome. Also called: Hereditary neoplastic syndrome; Tumor predisposition; Neoplastic Syndromes, Hereditary; Hereditary Cancer Syndrome. Identifiers: Orphanet 140162, MedGen C0027672, MeSH D009386, MONDO:0015356.
Hereditary leiomyomatosis and renal cell cancer. Also called: Familial leiomyomatosis; MULTIPLE CUTANEOUS AND UTERINE LEIOMYOMATA 1, WITH OR WITHOUT RENAL CELL CARCINOMA; LEIOMYOMA, MULTIPLE CUTANEOUS; Reed syndrome; Multiple cutaneous and uterine leiomyomatosis; Cutaneous leiomyomata with uterine leiomyomata. Identifiers: Orphanet 523, MedGen C1708350, MONDO:0007888, OMIM 150800, HP:0007437. Disease mechanism: loss of function.

Allele frequency attached by ClinVar (database versions not stated): gnomAD exomes 0.00003 and 0.00010; ExAC 0.00012; gnomAD 0.00028 and 0.00032; TOPMed 0.00039; ESP Exome Variant Server 0.00077.
gnomAD v4.1: 91 of 1,613,888 alleles (0.0056%); highest among the groups gnomAD compares: African/African-American, 0.096%; no homozygotes.

Submissions (8):

CeGaT Center for Human Genetics Tuebingen
Classification: Likely benign. Last evaluated: 2026-07-01. Review status: criteria provided, single submitter. Criteria: CeGaT Center For Human Genetics Tuebingen Variant Classification Criteria Version 2. Collection method: clinical testing. Allele origin: germline. Affected: yes. Observed: 2 variant alleles.
Comment: FH: BP4, BP7

Labcorp Genetics (formerly Invitae), Labcorp
Classification: Benign. Last evaluated: 2026-02-04. Review status: criteria provided, single submitter. Criteria: Invitae Variant Classification Sherloc (09022015). Collection method: clinical testing. Allele origin: germline.

Myriad Genetics, Inc.
Classification: Benign for Hereditary leiomyomatosis and renal cell cancer. Last evaluated: 2024-10-17. Review status: criteria provided, single submitter. Criteria: Myriad Autosomal Dominant, Autosomal Recessive and X-Linked Classification Criteria (2023). Collection method: clinical testing. Allele origin: unknown.
Comment: This variant is considered benign. This variant is a silent/synonymous amino acid change and it is not expected to impact splicing.

Quest Diagnostics Nichols Institute San Juan Capistrano
Classification: Benign. Last evaluated: 2022-12-03. Review status: criteria provided, single submitter. Criteria: Quest Diagnostics criteria. Collection method: clinical testing. Allele origin: unknown.

Sema4
Classification: Likely benign for Hereditary cancer-predisposing syndrome. Last evaluated: 2021-11-02. Review status: criteria provided, single submitter. Criteria: Sema4 Curation Guidelines. Collection method: curation. Allele origin: germline.

GeneDx
Classification: Likely benign. Last evaluated: 2021-06-18. Review status: criteria provided, single submitter. Criteria: GeneDx Variant Classification Process June 2021. Collection method: clinical testing. Allele origin: germline. Affected: yes.

Ambry Genetics
Classification: Likely benign for Hereditary cancer-predisposing syndrome. Last evaluated: 2015-03-03. Review status: criteria provided, single submitter. Criteria: Ambry Variant Classification Scheme 2023. Collection method: clinical testing. Allele origin: germline.

PreventionGenetics, part of Exact Sciences
Classification: Likely benign for FH-related condition. Last evaluated: 2023-03-09. Review status: no assertion criteria provided. Collection method: clinical testing. Allele origin: germline. Not counted in ClinVar's aggregate classification.
Comment: This variant is classified as likely benign based on ACMG/AMP sequence variant interpretation guidelines (Richards et al. 2015 PMID: 25741868, with internal and published modifications).